The following is an entry in ClinVar:

NM_000254.3(MTR):c.2165T>C (p.Leu722Pro)

Gene: MTR (5-methyltetrahydrofolate-homocysteine methyltransferase; plus strand). Cytogenetic location: 1q43.
Variant type: single nucleotide variant.
Coding change: c.2165T>C on transcript NM_000254.3 (MANE Select); coding-DNA position 2165, T replaced by C.
Protein change: p.Leu722Pro; replaces leucine 722 with proline.
Molecular consequence: missense variant. On other transcripts: intron variant (1).
Genome position (GRCh38, 1-based): chr1:236,861,246, T>C. VCF-style: chr1-236861246-T-C. GRCh37 (hg19) VCF-style: chr1-237024546-T-C.
Other names: c.944T>C, p.Leu315Pro (NM_001291940.2); c.2044-990T>C (NM_001291939.1); short protein forms L722P, L315P.
Identifiers: ClinVar variation 534569 (VCV000534569.6), dbSNP rs1553321807, ClinGen allele CA345377048.

ClinVar aggregate classification (germline): Uncertain significance (1 of 4 stars; one submission).

Conditions:
Methylcobalamin deficiency type cblG (HMAG). Also called: HOMOCYSTINURIA-MEGALOBLASTIC ANEMIA, cblG COMPLEMENTATION TYPE; Functional methionine synthase deficiency type cblG; HOMOCYSTINURIA-MEGALOBLASTIC ANEMIA, cblG TYPE; HOMOCYSTINURIA-MEGALOBLASTIC ANEMIA DUE TO DEFECT IN COBALAMIN METABOLISM, cblG COMPLEMENTATION TYPE. Identifiers: Orphanet 2170, Orphanet 622, MedGen C1855128, MONDO:0009609, OMIM 250940.

Allele frequency attached by ClinVar (database versions not stated): gnomAD exomes below 0.00001.
gnomAD v4.1: 2 of 1,613,952 alleles (0.00012%); highest among the groups gnomAD compares: Non-Finnish European, 0.00017%; no homozygotes.

Submission:

Labcorp Genetics (formerly Invitae), Labcorp
Classification: Uncertain significance for Methylcobalamin deficiency type cblG. Last evaluated: 2021-08-31. Review status: criteria provided, single submitter. Criteria: Invitae Variant Classification Sherloc (09022015). Collection method: clinical testing. Allele origin: germline.
Comment: This sequence change replaces leucine with proline at codon 722 of the MTR protein (p.Leu722Pro). The leucine residue is highly conserved and there is a moderate physicochemical difference between leucine and proline. This variant is not present in population databases (ExAC no frequency). This variant has not been reported in the literature in individuals affected with MTR-related conditions. Algorithms developed to predict the effect of missense changes on protein structure and function are either unavailable or do not agree on the potential impact of this missense change (SIFT: "Deleterious"; PolyPhen-2: "Probably Damaging"; Align-GVGD: "Class C0"). In summary, the available evidence is currently insufficient to determine the role of this variant in disease. Therefore, it has been classified as a Variant of Uncertain Significance.